The following is an entry in ClinVar:

NM_004329.3(BMPR1A):c.838A>G (p.Thr280Ala)

Gene: BMPR1A (bone morphogenetic protein receptor type 1A; plus strand). Cytogenetic location: 10q23.2.
Variant type: single nucleotide variant.
Coding change: c.838A>G on transcript NM_004329.3 (MANE Select); coding-DNA position 838, A replaced by G.
Protein change: p.Thr280Ala; replaces threonine 280 with alanine.
Molecular consequence: missense variant. On other transcripts: non-coding transcript variant (3).
Genome position (GRCh38, 1-based): chr10:86,917,296, A>G. VCF-style: chr10-86917296-A-G. GRCh37 (hg19) VCF-style: chr10-88677053-A-G.
Other names: c.838A>G, p.Thr280Ala (NM_001406578.1, NM_001406579.1, NM_001406580.1 and 19 more transcripts); c.832A>G, p.Thr278Ala (NM_001406583.1); c.754A>G, p.Thr252Ala (NM_001406584.1, NM_001406585.1, NM_001406586.1 and 2 more transcripts); c.913A>G, p.Thr305Ala (NM_001406559.1); c.886A>G, p.Thr296Ala (NM_001406560.1); c.496A>G, p.Thr166Ala (NM_001406589.1); short protein forms T166A, T252A, T296A, T278A, T280A, T305A.
Identifiers: ClinVar variation 5032969 (VCV005032969.1).

ClinVar aggregate classification (germline): Uncertain significance (1 of 4 stars; one submission).

Conditions:
Hereditary cancer-predisposing syndrome. Also called: Neoplastic Syndromes, Hereditary; Tumor predisposition; Hereditary neoplastic syndrome; Hereditary Cancer Syndrome. Identifiers: Orphanet 140162, MedGen C0027672, MeSH D009386, MONDO:0015356.

Submission:

Ambry Genetics
Classification: Uncertain significance for Hereditary cancer-predisposing syndrome. Last evaluated: 2026-07-06. Review status: criteria provided, single submitter. Criteria: Ambry Variant Classification Scheme 2023. Collection method: clinical testing. Allele origin: germline.
Comment: The p.T280A variant (also known as c.838A>G), located in coding exon 7 of the BMPR1A gene, results from an A to G substitution at nucleotide position 838. The threonine at codon 280 is replaced by alanine, an amino acid with similar properties. This amino acid position is conserved. In addition, this alteration is predicted to be deleterious by in silico analysis. Based on the available evidence, the clinical significance of this variant remains unclear.